The following is an entry in ClinVar:

NM_005732.4(RAD50):c.830G>A (p.Ser277Asn)

Gene: RAD50 (RAD50 double strand break repair protein; plus strand). Cytogenetic location: 5q31.1.
Variant type: single nucleotide variant.
Coding change: c.830G>A on transcript NM_005732.4 (MANE Select); coding-DNA position 830, G replaced by A.
Protein change: p.Ser277Asn; replaces serine 277 with asparagine.
Molecular consequence: missense variant.
Genome position (GRCh38, 1-based): chr5:132,587,635, G>A. VCF-style: chr5-132587635-G-A. GRCh37 (hg19) VCF-style: chr5-131923327-G-A.
Other names: short protein forms S277N.
Identifiers: ClinVar variation 852038 (VCV000852038.3), dbSNP rs1750618068, ClinGen allele CA360940291.

ClinVar aggregate classification (germline): Uncertain significance. Review status: criteria provided, multiple submitters, no conflicts (2 of 4 stars). 2 submissions from 2 submitters: Uncertain significance (2). Last evaluated 2019-12-19.

Conditions:
Hereditary cancer-predisposing syndrome. Also called: Neoplastic Syndromes, Hereditary; Hereditary Cancer Syndrome; Tumor predisposition; Hereditary neoplastic syndrome. Identifiers: Orphanet 140162, MedGen C0027672, MeSH D009386, MONDO:0015356.

Submissions (2):

Labcorp Genetics (formerly Invitae), Labcorp
Classification: Uncertain significance for Hereditary cancer-predisposing syndrome. Last evaluated: 2019-12-19. Review status: criteria provided, single submitter. Criteria: Invitae Variant Classification Sherloc (09022015). Collection method: clinical testing. Allele origin: germline.
Comment: This sequence change replaces serine with asparagine at codon 277 of the RAD50 protein (p.Ser277Asn). The serine residue is moderately conserved and there is a small physicochemical difference between serine and asparagine. This variant is not present in population databases (ExAC no frequency). This variant has not been reported in the literature in individuals with RAD50-related conditions. Algorithms developed to predict the effect of missense changes on protein structure and function are either unavailable or do not agree on the potential impact of this missense change (SIFT: "Tolerated"; PolyPhen-2: "Possibly Damaging"; Align-GVGD: "Class C0"). In summary, the available evidence is currently insufficient to determine the role of this variant in disease. Therefore, it has been classified as a Variant of Uncertain Significance.

Ambry Genetics
Classification: Uncertain significance for Hereditary cancer-predisposing syndrome. Last evaluated: 2015-10-22. Review status: criteria provided, single submitter. Criteria: Ambry Variant Classification Scheme 2023. Collection method: clinical testing. Allele origin: germline.
Comment: The p.S277N variant (also known as c.830G>A), located in coding exon 6 of the RAD50 gene, results from a G to A substitution at nucleotide position 830. The serine at codon 277 is replaced by asparagine, an amino acid with highly similar properties. This variant was not reported in population based cohorts in the following databases: Database of Single Nucleotide Polymorphisms (dbSNP), NHLBI Exome Sequencing Project (ESP), and 1000 Genomes Project. In the ESP, this variant was not observed in 6502 samples (13004 alleles) with coverage at this position. To date, this alteration has been detected with an allele frequency of approximately 0.002% (greater than 65000 alleles tested) in our clinical cohort. This amino acid position is highly conserved in available vertebrate species. In addition, this alteration is predicted to be tolerated by in silico analysis. Since supporting evidence is limited at this time, the clinical significance of p.S277N remains unclear.